The following is an entry in ClinVar:

ClinVar aggregate classification (germline): Pathogenic (1 of 4 stars; one submission).

Submission:

Labcorp Genetics (formerly Invitae), Labcorp
Classification: Pathogenic. Last evaluated: 2022-08-30. Review status: criteria provided, single submitter. Criteria: Invitae Variant Classification Sherloc (09022015). Collection method: clinical testing. Allele origin: germline.
Comment: This sequence change affects an acceptor splice site in intron 8 of the IL11RA gene. It is expected to disrupt RNA splicing. Variants that disrupt the donor or acceptor splice site typically lead to a loss of protein function (PMID: 16199547), and loss-of-function variants in IL11RA are known to be pathogenic (PMID: 21741611, 24498618). This variant is not present in population databases (gnomAD no frequency). Disruption of this splice site has been observed in individual(s) with craniosynostosis (Invitae). In at least one individual the data is consistent with being in trans (on the opposite chromosome) from a pathogenic variant. Algorithms developed to predict the effect of sequence changes on RNA splicing suggest that this variant may disrupt the consensus splice site. For these reasons, this variant has been classified as Pathogenic.

Literature cited by the submitters: PubMed 16199547; PubMed 21741611; PubMed 24498618.

NM_001142784.3(IL11RA):c.811-2A>T

Gene: IL11RA (interleukin 11 receptor subunit alpha; plus strand). Cytogenetic location: 9p13.3.
Variant type: single nucleotide variant.
Coding change: c.811-2A>T on transcript NM_001142784.3 (MANE Select); the canonical splice acceptor site of the intron before coding-DNA position 811, A replaced by T.
Molecular consequence: splice acceptor variant.
Genome position (GRCh38, 1-based): chr9:34,659,757, A>T. VCF-style: chr9-34659757-A-T. GRCh37 (hg19) VCF-style: chr9-34659754-A-T.
Identifiers: ClinVar variation 2022980 (VCV002022980.4), dbSNP rs200169943, ClinGen allele CA373291162.